The following is an entry in ClinVar:

NM_025114.4(CEP290):c.3235A>C (p.Met1079Leu)

Gene: CEP290 (centrosomal protein 290; minus strand). Cytogenetic location: 12q21.32.
Variant type: single nucleotide variant.
Coding change: c.3235A>C on transcript NM_025114.4 (MANE Select); coding-DNA position 3235, A replaced by C.
Protein change: p.Met1079Leu; replaces methionine 1079 with leucine.
Molecular consequence: missense variant.
Genome position (GRCh38, 1-based): chr12:88,093,844, T>G on the plus strand (A>C on the coding strand, the complement: CEP290 is on the minus strand). VCF-style: chr12-88093844-T-G. GRCh37 (hg19) VCF-style: chr12-88487621-T-G.
Other names: short protein forms M1079L.
Identifiers: ClinVar variation 1997012 (VCV001997012.4), dbSNP rs2037228349, ClinGen allele CA386006054.

ClinVar aggregate classification (germline): Uncertain significance (1 of 4 stars; one submission).

Conditions:
Joubert syndrome. Also called: CEREBELLOPARENCHYMAL DISORDER IV; JOUBERT-BOLTSHAUSER SYNDROME; Familial aplasia of the vermis. Identifiers: Orphanet 475, MedGen C5979921, MONDO:0018772.
Meckel-Gruber syndrome. Also called: DYSENCEPHALIA SPLANCHNOCYSTICA; GRUBER SYNDROME; Dysencephalia splachnocystica. Identifiers: Orphanet 564, MedGen C0265215, MONDO:0018921.
Nephronophthisis. Also called: Juvenile Nephronophthisis. Identifiers: Orphanet 655, MedGen C0687120, MONDO:0019005, HP:0000090.

Submission:

Labcorp Genetics (formerly Invitae), Labcorp
Classification: Uncertain significance for Joubert syndrome; Meckel-Gruber syndrome; Nephronophthisis. Last evaluated: 2022-08-17. Review status: criteria provided, single submitter. Criteria: Invitae Variant Classification Sherloc (09022015). Collection method: clinical testing. Allele origin: germline.
Comment: In summary, the available evidence is currently insufficient to determine the role of this variant in disease. Therefore, it has been classified as a Variant of Uncertain Significance. Algorithms developed to predict the effect of missense changes on protein structure and function are either unavailable or do not agree on the potential impact of this missense change (SIFT: "Tolerated"; PolyPhen-2: "Probably Damaging"; Align-GVGD: "Class C0"). This variant has not been reported in the literature in individuals affected with CEP290-related conditions. This variant is not present in population databases (gnomAD no frequency). This sequence change replaces methionine, which is neutral and non-polar, with leucine, which is neutral and non-polar, at codon 1079 of the CEP290 protein (p.Met1079Leu).